The following is an entry in ClinVar:

NM_020529.3(NFKBIA):c.403T>G (p.Cys135Gly)

Genes: NFKBIA (NFKB inhibitor alpha; minus strand), LOC130055494 (ATAC-STARR-seq lymphoblastoid active region 8276; plus strand). Cytogenetic location: 14q13.2.
Variant type: single nucleotide variant.
Coding change: c.403T>G on transcript NM_020529.3 (MANE Select); coding-DNA position 403, T replaced by G.
Protein change: p.Cys135Gly; replaces cysteine 135 with glycine.
Molecular consequence: missense variant.
Genome position (GRCh38, 1-based): chr14:35,403,294, A>C on the plus strand (T>G on the coding strand, the complement: NFKBIA is on the minus strand). VCF-style: chr14-35403294-A-C. GRCh37 (hg19) VCF-style: chr14-35872500-A-C.
Other names: c.403T>G (NM_020529.2); short protein forms C135G.
Identifiers: ClinVar variation 1559668 (VCV001559668.9), dbSNP rs2138832069, ClinGen allele CA389453503.
Genomic context (GRCh38, chr14:35,403,294, plus strand): 5'-CCTGCTCACAGGCAAGGTGTAGGGGGGTATTTCCTCGAAAGTCTCGGAGCTCAGGATCAC[A>C]GCCAGCTCCCAGAAGTGCCTCAGCAATTTCTGGCTGGTTGGTGATCACAGCCAAGTGGAG-3'
Protein context (NP_065390.1, residues 125-145): EIAEALLGAG[Cys135Gly]DPELRDFRGN

ClinVar aggregate classification (germline): Conflicting classifications of pathogenicity. Review status: criteria provided, conflicting classifications (1 of 4 stars). 2 submissions from 2 submitters: Uncertain significance (1); Likely benign (1). Last evaluated 2024-12-23.

Conditions:
Ectodermal dysplasia and immunodeficiency 2. Identifiers: Orphanet 238468, Orphanet 98813, MedGen C2677481, MONDO:0012806, OMIM 612132.

Allele frequency attached by ClinVar (database versions not stated): gnomAD exomes 0.00001.
gnomAD v4.1: 4 of 1,614,060 alleles (0.00025%); highest among the groups gnomAD compares: Non-Finnish European, 0.00034%; no homozygotes.

Submissions (2):

GeneDx
Classification: Uncertain significance. Last evaluated: 2024-12-23. Review status: criteria provided, single submitter. Criteria: GeneDx Variant Classification Process June 2021. Collection method: clinical testing. Allele origin: germline. Affected: yes.
Comment: Not observed at significant frequency in large population cohorts (gnomAD); In silico analysis supports that this missense variant has a deleterious effect on protein structure/function; Has not been previously published as pathogenic or benign to our knowledge

Labcorp Genetics (formerly Invitae), Labcorp
Classification: Likely benign for Ectodermal dysplasia and immunodeficiency 2. Last evaluated: 2022-02-05. Review status: criteria provided, single submitter. Criteria: Invitae Variant Classification Sherloc (09022015). Collection method: clinical testing. Allele origin: germline.